The following is an entry in ClinVar:

NM_001609.4(ACADSB):c.*30G>A

Gene: ACADSB (acyl-CoA dehydrogenase short/branched chain; plus strand). Cytogenetic location: 10q26.13.
Variant type: single nucleotide variant.
Coding change: c.*30G>A on transcript NM_001609.4 (MANE Select); 30 bases downstream of the stop codon, G replaced by A.
Molecular consequence: 3 prime UTR variant.
Genome position (GRCh38, 1-based): chr10:123,053,795, G>A. VCF-style: chr10-123053795-G-A. GRCh37 (hg19) VCF-style: chr10-124813311-G-A.
Other names: c.*30G>A (NM_001330174.3).
Identifiers: ClinVar variation 299093 (VCV000299093.19), dbSNP rs141805585, ClinGen allele CA5731002.

ClinVar aggregate classification (germline): Likely benign. Review status: criteria provided, multiple submitters, no conflicts (2 of 4 stars). 2 submissions from 2 submitters: Likely benign (2). Last evaluated 2025-01-01.

Conditions:
Deficiency of 2-methylbutyryl-CoA dehydrogenase (ACADSB). Also called: 2-methylbutyrylglycinuria; 2-methylbutyryl-CoA dehydrogenase deficiency; SBCAD deficiency; 2-methylbutyric aciduria; Short branched-chain acyl-CoA dehydrogenase deficiency. Identifiers: Orphanet 79157, MedGen C1864912, MONDO:0012392, OMIM 610006, HP:0020147.

Allele frequency attached by ClinVar (database versions not stated): 1000 Genomes Project 30x 0.00219; 1000 Genomes Project 0.00240; ExAC 0.00346; gnomAD 0.00359 and 0.00375; gnomAD exomes 0.00388 and 0.00521; TOPMed 0.00402; ESP Exome Variant Server 0.00546.
gnomAD v4.1: 7,945 of 1,585,092 alleles (0.5%); highest among the groups gnomAD compares: Middle Eastern, 1%; 25 homozygotes.

Submissions (2):

CeGaT Center for Human Genetics Tuebingen
Classification: Likely benign. Last evaluated: 2025-01-01. Review status: criteria provided, single submitter. Criteria: CeGaT Center For Human Genetics Tuebingen Variant Classification Criteria Version 2. Collection method: clinical testing. Allele origin: germline. Affected: yes. Observed: 2 variant alleles.
Comment: ACADSB: BS2

Illumina Laboratory Services, Illumina
Classification: Likely benign for Deficiency of 2-methylbutyryl-CoA dehydrogenase. Last evaluated: 2018-01-13. Review status: criteria provided, single submitter. Criteria: ICSL Variant Classification Criteria 13 December 2019. Collection method: clinical testing. Allele origin: germline.
Comment: This variant was observed in the ICSL laboratory as part of a predisposition screen in an ostensibly healthy population. It had not been previously curated by ICSL or reported in the Human Gene Mutation Database (HGMD: prior to June 1st, 2018), and was therefore a candidate for classification through an automated scoring system. Utilizing variant allele frequency, disease prevalence and penetrance estimates, and inheritance mode, an automated score was calculated to assess if this variant is too frequent to cause the disease. Based on the score and internal cut-off values, a variant classified as likely benign is not then subjected to further curation. The score for this variant resulted in a classification of likely benign for this disease.